The following is an entry in ClinVar:

ClinVar aggregate classification (germline): Pathogenic (1 of 4 stars; one submission).

Conditions:
Catecholaminergic polymorphic ventricular tachycardia 1. Also called: VENTRICULAR TACHYCARDIA, STRESS-INDUCED POLYMORPHIC 1; RYR2-Related Catecholaminergic Polymorphic Ventricular Tachycardia; VENTRICULAR TACHYCARDIA, CATECHOLAMINERGIC POLYMORPHIC, 1, WITH OR WITHOUT ATRIAL DYSFUNCTION AND/OR DILATED CARDIOMYOPATHY. Identifiers: Orphanet 3286, MedGen C1631597, MONDO:0011484, OMIM 604772.

Submission:

Labcorp Genetics (formerly Invitae), Labcorp
Classification: Pathogenic for Catecholaminergic polymorphic ventricular tachycardia 1. Last evaluated: 2023-08-30. Review status: criteria provided, single submitter. Criteria: Invitae Variant Classification Sherloc (09022015). Collection method: clinical testing. Allele origin: germline.
Comment: This sequence change replaces leucine, which is neutral and non-polar, with proline, which is neutral and non-polar, at codon 4966 of the RYR2 protein (p.Leu4966Pro). Advanced modeling of protein sequence and biophysical properties (such as structural, functional, and spatial information, amino acid conservation, physicochemical variation, residue mobility, and thermodynamic stability) performed at Invitae indicates that this missense variant is expected to disrupt RYR2 protein function. For these reasons, this variant has been classified as Pathogenic. This missense change has been observed in individual(s) with polymorphic ventricular tachycardia (Invitae). In at least one individual the variant was observed to be de novo. This variant is not present in population databases (gnomAD no frequency).

NM_001035.3(RYR2):c.14897T>C (p.Leu4966Pro)

Gene: RYR2 (ryanodine receptor 2; plus strand). Cytogenetic location: 1q43.
Variant type: single nucleotide variant.
Coding change: c.14897T>C on transcript NM_001035.3 (MANE Select); coding-DNA position 14897, T replaced by C.
Protein change: p.Leu4966Pro; replaces leucine 4966 with proline.
Molecular consequence: missense variant.
Genome position (GRCh38, 1-based): chr1:237,832,640, T>C. VCF-style: chr1-237832640-T-C. GRCh37 (hg19) VCF-style: chr1-237995940-T-C.
Other names: short protein forms L4966P.
Identifiers: ClinVar variation 2719667 (VCV002719667.3), dbSNP rs2528507871, ClinGen allele CA345411179.